The following is an entry in ClinVar:

ClinVar aggregate classification (germline): Uncertain significance (1 of 4 stars; one submission).

gnomAD v4.1: 5 of 1,613,766 alleles (0.00031%); highest among the groups gnomAD compares: East Asian, 0.0045%; no homozygotes.

Submission:

Ambry Genetics
Classification: Uncertain significance. Last evaluated: 2024-10-17. Review status: criteria provided, single submitter. Criteria: Ambry Variant Classification Scheme 2023. Collection method: clinical testing. Allele origin: germline.
Comment: The p.H708Q variant (also known as c.2124C>G), located in coding exon 18 of the RAD54L gene, results from a C to G substitution at nucleotide position 2124. The histidine at codon 708 is replaced by glutamine, an amino acid with highly similar properties. This amino acid position is conserved. In addition, the in silico prediction for this alteration is inconclusive. Since supporting evidence is limited at this time, the clinical significance of this alteration remains unclear.

NM_003579.4(RAD54L):c.2124C>G (p.His708Gln)

Genes: LRRC41 (leucine rich repeat containing 41; minus strand), RAD54L (RAD54 like; plus strand). Cytogenetic location: 1p34.1.
Variant type: single nucleotide variant.
Coding change: c.2124C>G on transcript NM_003579.4 (MANE Select); coding-DNA position 2124, C replaced by G.
Protein change: p.His708Gln; replaces histidine 708 with glutamine.
Molecular consequence: missense variant. On other transcripts: 3 prime UTR variant (1).
Genome position (GRCh38, 1-based): chr1:46,278,162, C>G. VCF-style: chr1-46278162-C-G. GRCh37 (hg19) VCF-style: chr1-46743834-C-G.
Other names: c.*703G>C (NM_006369.5); c.2124C>G, p.His708Gln (NM_001142548.2); c.1584C>G, p.His528Gln (NM_001370766.1); short protein forms H528Q, H708Q.
Identifiers: ClinVar variation 1786286 (VCV001786286.3), dbSNP rs1227675246, ClinGen allele CA340191238.